The following is an entry in ClinVar:

NM_004187.5(KDM5C):c.1476A>G (p.Ala492=)

Gene: KDM5C (lysine demethylase 5C; minus strand). Cytogenetic location: Xp11.22.
Variant type: single nucleotide variant.
Coding change: c.1476A>G on transcript NM_004187.5 (MANE Select); coding-DNA position 1476, A replaced by G.
Protein change: p.Ala492=; no amino-acid change (alanine 492 retained).
Molecular consequence: synonymous variant. On other transcripts: non-coding transcript variant (3).
Genome position (GRCh38, 1-based): chrX:53,210,783, T>C on the plus strand (A>G on the coding strand, the complement: KDM5C is on the minus strand). VCF-style: chrX-53210783-T-C. GRCh37 (hg19) VCF-style: chrX-53239965-T-C.
Other names: c.1275A>G, p.Ala425= (NM_001146702.2); c.1473A>G, p.Ala491= (NM_001282622.3, NM_001353979.2, NM_001353982.2); c.1476A>G, p.Ala492= (NM_001353978.3, NM_001353981.2, NM_001353984.2).
Identifiers: ClinVar variation 2994661 (VCV002994661.4), dbSNP rs782769373, ClinGen allele CA10419520.
Genomic context (GRCh38, chrX:53,210,783, plus strand): 5'-GCAAAAGGCTGAGAAGACCATGCCCACGTAGAGCCAGGGCACCTTCATGCCAGAGATATC[T>C]GCATTGATGTGGCACAGTACAGACTGTTCCAACACCGGCATCACATTTAGGTTCCAACCA-3'
Protein context (NP_004178.2, residues 482-502): LEQSVLCHIN[Ala492=]DISGMKVPWL

ClinVar aggregate classification (germline): Likely benign. Review status: criteria provided, multiple submitters, no conflicts (2 of 4 stars). 2 submissions from 2 submitters: Likely benign (2). Last evaluated 2026-09-01.

Conditions:
Spastic paraplegia. Identifiers: MedGen C0037772, HP:0001258.

Allele frequency attached by ClinVar (database versions not stated): gnomAD exomes below 0.00001; ExAC 0.00001.
gnomAD v4.1: 5 of 1,210,828 alleles (0.00041%); highest among the groups gnomAD compares: Admixed American, 0.0022%; no homozygotes.

Submissions (2):

CeGaT Center for Human Genetics Tuebingen
Classification: Likely benign. Last evaluated: 2026-09-01. Review status: criteria provided, single submitter. Criteria: CeGaT Center For Human Genetics Tuebingen Variant Classification Criteria Version 2. Collection method: clinical testing. Allele origin: germline. Affected: yes. Observed: 1 variant allele.
Comment: KDM5C: BP4, BP7

Labcorp Genetics (formerly Invitae), Labcorp
Classification: Likely benign for Spastic paraplegia. Last evaluated: 2023-12-31. Review status: criteria provided, single submitter. Criteria: Invitae Variant Classification Sherloc (09022015). Collection method: clinical testing. Allele origin: germline.